The following is an entry in ClinVar:

NM_001814.6(CTSC):c.662CTG[1] (p.Ala222del)

Gene: CTSC (cathepsin C; minus strand). Cytogenetic location: 11q14.2.
Variant type: Microsatellite.
Coding change: c.662CTG[1] on transcript NM_001814.6 (MANE Select); one copy of the 3-base unit CTG starting at c.662; the reference has two copies in a row; one copy, 3 bases deleted.
Protein change: p.Ala222del; deletes alanine 222.
Molecular consequence: inframe deletion.
Genome position (GRCh38, 1-based): chr11:88,300,620-88,300,622, CAG deleted on the plus strand (CTG on the coding strand, the reverse complement: CTSC is on the minus strand); deleting any 3 consecutive bases within chr11:88,300,620-88,300,625 gives the same sequence; the position shown is the placement nearest the transcript's 3' end. VCF-style (leftmost placement, unchanged base first): chr11-88300619-TCAG-T. GRCh37 (hg19) VCF-style: chr11-88033787-TCAG-T.
Other names: short protein forms A222del.
Identifiers: ClinVar variation 1412260 (VCV001412260.7), dbSNP rs2496540680, ClinGen allele CA2580616400.
Genomic context (GRCh38, chr11:88,300,619, plus strand): 5'-ATACCATGAACATTTCTCCAGTCCCAAGATGTTGGCAAATGCAAAATCTTTTGCTGTATT[TCAG>T]CAGTCAGTGGTGCAGGTTTGGGCCTAGAAAGGAAATATACATTTGATATCAACATATAAT-3'

ClinVar aggregate classification (germline): Uncertain significance (1 of 4 stars; one submission).

Conditions:
Papillon-Lefèvre syndrome (PALS). Also called: KERATOSIS PALMOPLANTARIS WITH PERIODONTOPATHIA; Papillon-Lefevre Disease. Identifiers: Orphanet 678, MedGen C0030360, MONDO:0009490, OMIM 245000.
Periodontitis, aggressive. Identifiers: MedGen C0031106, MONDO:0980757.
Haim-Munk syndrome (HMS). Also called: COCHIN JEWISH DISORDER; KERATOSIS PALMOPLANTARIS WITH PERIODONTOPATHIA AND ONYCHOGRYPOSIS. Identifiers: Orphanet 2342, MedGen C1855627, MONDO:0009491, OMIM 245010.

Submission:

Labcorp Genetics (formerly Invitae), Labcorp
Classification: Uncertain significance for Haim-Munk syndrome; Periodontitis, aggressive; Papillon-Lefèvre syndrome. Last evaluated: 2021-02-28. Review status: criteria provided, single submitter. Criteria: Invitae Variant Classification Sherloc (09022015). Collection method: clinical testing. Allele origin: germline.
Comment: This variant, c.665_667del, results in the deletion of 1 amino acid(s) of the CTSC protein (p.Ala222del), but otherwise preserves the integrity of the reading frame. This variant is not present in population databases (ExAC no frequency). This variant has not been reported in the literature in individuals with CTSC-related conditions. Experimental studies and prediction algorithms are not available or were not evaluated, and the functional significance of this variant is currently unknown. In summary, the available evidence is currently insufficient to determine the role of this variant in disease. Therefore, it has been classified as a Variant of Uncertain Significance.